The following is an entry in ClinVar:

ClinVar aggregate classification (germline): Uncertain significance (1 of 4 stars; one submission).

Submission:

GeneDx
Classification: Uncertain significance. Last evaluated: 2025-06-17. Review status: criteria provided, single submitter. Criteria: GeneDx Variant Classification Process June 2021. Collection method: clinical testing. Allele origin: germline. Affected: yes.
Comment: Not observed at significant frequency in large population cohorts (gnomAD); Nonsense variant predicted to result in protein truncation or nonsense mediated decay in a gene or region of a gene for which loss of function is not a well-established mechanism of disease; Has not been previously published as pathogenic or benign to our knowledge

NM_001267550.2(TTN):c.604A>T (p.Lys202Ter)

Gene: TTN (titin; minus strand). Cytogenetic location: 2q31.2.
Variant type: single nucleotide variant.
Coding change: c.604A>T on transcript NM_001267550.2 (MANE Select); coding-DNA position 604, A replaced by T.
Protein change: p.Lys202Ter; replaces lysine 202 with a stop codon.
Molecular consequence: nonsense.
Genome position (GRCh38, 1-based): chr2:178,799,890, T>A on the plus strand (A>T on the coding strand, the complement: TTN is on the minus strand). VCF-style: chr2-178799890-T-A. GRCh37 (hg19) VCF-style: chr2-179664617-T-A.
Other names: c.604A>T, p.Lys202Ter (NM_133379.5, NM_133432.3, NM_133437.4 and 3 more transcripts); short protein forms K202*.
Identifiers: ClinVar variation 4538924 (VCV004538924.1).